The following is an entry in ClinVar:

NM_020821.3(VPS13C):c.10997G>A (p.Cys3666Tyr)

Gene: VPS13C (vacuolar protein sorting 13 homolog C; minus strand). Cytogenetic location: 15q22.2.
Variant type: single nucleotide variant.
Coding change: c.10997G>A on transcript NM_020821.3 (MANE Select); coding-DNA position 10997, G replaced by A.
Protein change: p.Cys3666Tyr; replaces cysteine 3666 with tyrosine.
Molecular consequence: missense variant.
Genome position (GRCh38, 1-based): chr15:61,856,365, C>T on the plus strand (G>A on the coding strand, the complement: VPS13C is on the minus strand). VCF-style: chr15-61856365-C-T. GRCh37 (hg19) VCF-style: chr15-62148564-C-T.
Other names: c.10868G>A, p.Cys3623Tyr (NM_017684.5); short protein forms C3666Y, C3623Y.
Identifiers: ClinVar variation 1967584 (VCV001967584.5), dbSNP rs762264051, ClinGen allele CA7594122.

ClinVar aggregate classification (germline): Uncertain significance (1 of 4 stars; one submission).

Allele frequency attached by ClinVar (database versions not stated): gnomAD exomes below 0.00001; ExAC 0.00001.
gnomAD v4.1: 3 of 1,613,408 alleles (0.00019%); highest among the groups gnomAD compares: South Asian, 0.0033%; no homozygotes.

Submission:

Labcorp Genetics (formerly Invitae), Labcorp
Classification: Uncertain significance. Last evaluated: 2021-12-21. Review status: criteria provided, single submitter. Criteria: Invitae Variant Classification Sherloc (09022015). Collection method: clinical testing. Allele origin: germline.
Comment: In summary, the available evidence is currently insufficient to determine the role of this variant in disease. Therefore, it has been classified as a Variant of Uncertain Significance. Algorithms developed to predict the effect of missense changes on protein structure and function (SIFT, PolyPhen-2, Align-GVGD) all suggest that this variant is likely to be tolerated. This variant has not been reported in the literature in individuals affected with VPS13C-related conditions. This variant is present in population databases (rs762264051, gnomAD 0.01%). This sequence change replaces cysteine, which is neutral and slightly polar, with tyrosine, which is neutral and polar, at codon 3666 of the VPS13C protein (p.Cys3666Tyr).